The following is an entry in ClinVar:

ClinVar aggregate classification (germline): Uncertain significance (1 of 4 stars; one submission).

Submission:

Labcorp Genetics (formerly Invitae), Labcorp
Classification: Uncertain significance. Last evaluated: 2023-10-22. Review status: criteria provided, single submitter. Criteria: Invitae Variant Classification Sherloc (09022015). Collection method: clinical testing. Allele origin: germline.
Comment: This sequence change replaces valine, which is neutral and non-polar, with methionine, which is neutral and non-polar, at codon 1244 of the PRPF8 protein (p.Val1244Met). This variant is not present in population databases (gnomAD no frequency). This variant has not been reported in the literature in individuals affected with PRPF8-related conditions. Advanced modeling of protein sequence and biophysical properties (such as structural, functional, and spatial information, amino acid conservation, physicochemical variation, residue mobility, and thermodynamic stability) performed at Invitae indicates that this missense variant is not expected to disrupt PRPF8 protein function. In summary, the available evidence is currently insufficient to determine the role of this variant in disease. Therefore, it has been classified as a Variant of Uncertain Significance.

NM_006445.4(PRPF8):c.3730G>A (p.Val1244Met)

Gene: PRPF8 (pre-mRNA processing factor 8; minus strand). Cytogenetic location: 17p13.3.
Variant type: single nucleotide variant.
Coding change: c.3730G>A on transcript NM_006445.4 (MANE Select); coding-DNA position 3730, G replaced by A.
Protein change: p.Val1244Met; replaces valine 1244 with methionine.
Molecular consequence: missense variant.
Genome position (GRCh38, 1-based): chr17:1,673,125, C>T on the plus strand (G>A on the coding strand, the complement: PRPF8 is on the minus strand). VCF-style: chr17-1673125-C-T. GRCh37 (hg19) VCF-style: chr17-1576419-C-T.
Other names: short protein forms V1244M.
Identifiers: ClinVar variation 2806365 (VCV002806365.3), dbSNP rs1408305680, ClinGen allele CA397538571.